The following is an entry in ClinVar:

ClinVar aggregate classification (germline): Uncertain significance (1 of 4 stars; one submission).

Conditions:
Myasthenic syndrome, congenital, 22 (CMS22). Also called: PREPL DEFICIENCY. Identifiers: MedGen C4479088, MONDO:0044299, OMIM 616224.

Submission:

Labcorp Genetics (formerly Invitae), Labcorp
Classification: Uncertain significance for Myasthenic syndrome, congenital, 22. Last evaluated: 2022-08-20. Review status: criteria provided, single submitter. Criteria: Invitae Variant Classification Sherloc (09022015). Collection method: clinical testing. Allele origin: germline.
Comment: In summary, the available evidence is currently insufficient to determine the role of this variant in disease. Therefore, it has been classified as a Variant of Uncertain Significance. Algorithms developed to predict the effect of missense changes on protein structure and function (SIFT, PolyPhen-2, Align-GVGD) all suggest that this variant is likely to be tolerated. This variant has not been reported in the literature in individuals affected with PREPL-related conditions. This variant is not present in population databases (gnomAD no frequency). This sequence change replaces threonine, which is neutral and polar, with serine, which is neutral and polar, at codon 49 of the PREPL protein (p.Thr49Ser).

NM_001171613.2(PREPL):c.-49+1810C>G

Gene: PREPL (prolyl endopeptidase like; minus strand). Cytogenetic location: 2p21.
Variant type: single nucleotide variant.
Coding change: c.-49+1810C>G on transcript NM_001171613.2 (MANE Select); 1810 bases into the intron after 49 bases upstream of the start codon, C replaced by G.
Molecular consequence: intron variant. On other transcripts: missense variant (7).
Genome position (GRCh38, 1-based): chr2:44,359,570, G>C on the plus strand (C>G on the coding strand, the complement: PREPL is on the minus strand). VCF-style: chr2-44359570-G-C. GRCh37 (hg19) VCF-style: chr2-44586709-G-C.
Other names: c.146C>G, p.Thr49Ser (NM_001042385.2, NM_001042386.2, NM_001171603.1 and 4 more transcripts); c.-49+1954C>G (NM_001171617.1); c.-49+1847C>G (NM_001374277.1); short protein forms T49S.
Identifiers: ClinVar variation 2115990 (VCV002115990.4), dbSNP rs2466493923, ClinGen allele CA346694877.